The following is an entry in ClinVar:

ClinVar aggregate classification (germline): Uncertain significance. Review status: criteria provided, multiple submitters, no conflicts (2 of 4 stars). 4 submissions from 4 submitters: Uncertain significance (4). Last evaluated 2025-04-24.

Conditions:
Inborn genetic diseases. Identifiers: MedGen C0950123, MeSH D030342.
Charcot-Marie-Tooth disease. Also called: Charcot-Marie-Tooth Neuropathy; Charcot-Marie-Tooth Hereditary Neuropathy. Identifiers: Orphanet 166, MedGen C0007959, MONDO:0015626.
Charcot-Marie-Tooth disease type 4. Also called: Charcot-Marie-Tooth, Type 4; Charcot-Marie-Tooth disease, type IV. Identifiers: Orphanet 64749, MedGen C4082197, MONDO:0018995.

Allele frequency attached by ClinVar (database versions not stated): gnomAD exomes below 0.00001 and 0.00001; ExAC 0.00001; gnomAD 0.00002; TOPMed 0.00002; ESP Exome Variant Server 0.00008.
gnomAD v4.1: 20 of 1,611,834 alleles (0.0012%); highest among the groups gnomAD compares: Non-Finnish European, 0.0017%; no homozygotes.

Submissions (4):

Labcorp Genetics (formerly Invitae), Labcorp
Classification: Uncertain significance for Charcot-Marie-Tooth disease type 4. Last evaluated: 2025-04-24. Review status: criteria provided, single submitter. Criteria: Invitae Variant Classification Sherloc (09022015). Collection method: clinical testing. Allele origin: germline.
Comment: This sequence change replaces glutamine, which is neutral and polar, with histidine, which is basic and polar, at codon 418 of the SH3TC2 protein (p.Gln418His). This variant is present in population databases (rs146997517, gnomAD 0.007%). This missense change has been observed in individual(s) with Charcot-Marie-Tooth disease (PMID: 32376792). ClinVar contains an entry for this variant (Variation ID: 246248). Invitae Evidence Modeling of protein sequence and biophysical properties (such as structural, functional, and spatial information, amino acid conservation, physicochemical variation, residue mobility, and thermodynamic stability) indicates that this missense variant is not expected to disrupt SH3TC2 protein function with a negative predictive value of 95%. In summary, the available evidence is currently insufficient to determine the role of this variant in disease. Therefore, it has been classified as a Variant of Uncertain Significance.

Ambry Genetics
Classification: Uncertain significance for Inborn genetic diseases. Last evaluated: 2019-12-11. Review status: criteria provided, single submitter. Criteria: Ambry Variant Classification Scheme 2023. Collection method: clinical testing. Allele origin: germline.
Comment: The p.Q418H variant (also known as c.1254G>T), located in coding exon 11 of the SH3TC2 gene, results from a G to T substitution at nucleotide position 1254. The glutamine at codon 418 is replaced by histidine, an amino acid with highly similar properties. This amino acid position is poorly conserved in available vertebrate species. In addition, this alteration is predicted to be tolerated by in silico analysis. Since supporting evidence is limited at this time, the clinical significance of this alteration remains unclear.

GeneDx
Classification: Uncertain significance. Last evaluated: 2016-01-11. Review status: criteria provided, single submitter. Criteria: GeneDx Variant Classification (06012015). Collection method: clinical testing. Allele origin: germline. Affected: yes.
Comment: The Q418H variant has not been published as a pathogenic variant, nor has it been reported as a benign variant to our knowledge. It was not observed with any significant frequency in approximately 6,500 individuals of European and African American ancestry in the NHLBI Exome Sequencing Project. The Q418H variant is a semi-conservative amino acid substitution, which may impact secondary protein structure as these residues differ in some properties. However, this substitution occurs at a position that is not conserved, and in silico analysis predicts this variant likely does not alter the protein structure/function. Therefore, based on the currently available information, it is unclear whether this variant is a pathogenic variant or a rare benign variant.

Molecular Genetics Laboratory, London Health Sciences Centre
Classification: Uncertain significance for Charcot-Marie-Tooth disease. Review status: criteria provided, single submitter. Criteria: ACMG Guidelines, 2015. Collection method: clinical testing. Allele origin: germline. Affected: yes.

Literature cited by the submitters: PubMed 32376792 (cited by Labcorp Genetics (formerly Invitae), Labcorp).

NM_024577.4(SH3TC2):c.1254G>T (p.Gln418His)

Gene: SH3TC2 (SH3 domain and tetratricopeptide repeats 2; minus strand). Cytogenetic location: 5q32.
Variant type: single nucleotide variant.
Coding change: c.1254G>T on transcript NM_024577.4 (MANE Select); coding-DNA position 1254, G replaced by T.
Protein change: p.Gln418His; replaces glutamine 418 with histidine.
Molecular consequence: missense variant.
Genome position (GRCh38, 1-based): chr5:149,028,478, C>A on the plus strand (G>T on the coding strand, the complement: SH3TC2 is on the minus strand). VCF-style: chr5-149028478-C-A. GRCh37 (hg19) VCF-style: chr5-148408041-C-A.
Other names: short protein forms Q418H.
Identifiers: ClinVar variation 246248 (VCV000246248.11), dbSNP rs146997517, ClinGen allele CA3499218.